The following is an entry in ClinVar:

NM_032447.5(FBN3):c.2648G>A (p.Gly883Glu)

Gene: FBN3 (fibrillin 3; minus strand). Cytogenetic location: 19p13.2.
Variant type: single nucleotide variant.
Coding change: c.2648G>A on transcript NM_032447.5 (MANE Select); coding-DNA position 2648, G replaced by A.
Protein change: p.Gly883Glu; replaces glycine 883 with glutamic acid.
Molecular consequence: missense variant.
Genome position (GRCh38, 1-based): chr19:8,125,975, C>T on the plus strand (G>A on the coding strand, the complement: FBN3 is on the minus strand). VCF-style: chr19-8125975-C-T. GRCh37 (hg19) VCF-style: chr19-8190859-C-T.
Other names: c.2648G>A, p.Gly883Glu (NM_001321431.2); short protein forms G883E.
Identifiers: ClinVar variation 1477824 (VCV001477824.6), dbSNP rs2144928783, ClinGen allele CA403696504.

ClinVar aggregate classification (germline): Uncertain significance (1 of 4 stars; one submission).

Allele frequency attached by ClinVar (database versions not stated): gnomAD exomes below 0.00001.
gnomAD v4.1: 3 of 1,613,840 alleles (0.00019%); highest among the groups gnomAD compares: Non-Finnish European, 0.00017%; no homozygotes.

Submission:

Labcorp Genetics (formerly Invitae), Labcorp
Classification: Uncertain significance. Last evaluated: 2020-12-11. Review status: criteria provided, single submitter. Criteria: Invitae Variant Classification Sherloc (09022015). Collection method: clinical testing. Allele origin: germline.
Comment: In summary, the available evidence is currently insufficient to determine the role of this variant in disease. Therefore, it has been classified as a Variant of Uncertain Significance. Algorithms developed to predict the effect of missense changes on protein structure and function are either unavailable or do not agree on the potential impact of this missense change (SIFT: "Not Available"; PolyPhen-2: "Probably Damaging"; Align-GVGD: "Not Available"). This variant has not been reported in the literature in individuals with FBN3-related conditions. This variant is not present in population databases (ExAC no frequency). This sequence change replaces glycine with glutamic acid at codon 883 of the FBN3 protein (p.Gly883Glu). The glycine residue is moderately conserved and there is a moderate physicochemical difference between glycine and glutamic acid.